The following is an entry in ClinVar:

ClinVar aggregate classification (germline): Uncertain significance. Review status: criteria provided, multiple submitters, no conflicts (2 of 4 stars). 2 submissions from 2 submitters: Uncertain significance (2). Last evaluated 2025-10-04.

Conditions:
Charcot-Marie-Tooth disease type 2E (CMT2E). Also called: CHARCOT-MARIE-TOOTH NEUROPATHY, TYPE 2E; CHARCOT-MARIE-TOOTH DISEASE, AXONAL, TYPE 2E. Identifiers: Orphanet 99939, MedGen C1843225, MONDO:0011894, OMIM 607684.

Allele frequency attached by ClinVar (database versions not stated): gnomAD 0.00001; ExAC 0.00002; gnomAD exomes 0.00002 and 0.00003; TOPMed 0.00003.

Submissions (2):

Labcorp Genetics (formerly Invitae), Labcorp
Classification: Uncertain significance for Charcot-Marie-Tooth disease type 2E. Last evaluated: 2025-10-04. Review status: criteria provided, single submitter. Criteria: Invitae Variant Classification Sherloc (09022015). Collection method: clinical testing. Allele origin: germline.
Comment: This sequence change replaces leucine, which is neutral and non-polar, with valine, which is neutral and non-polar, at codon 73 of the NEFL protein (p.Leu73Val). This variant is present in population databases (rs755889503, gnomAD 0.01%). This variant has not been reported in the literature in individuals affected with NEFL-related conditions. ClinVar contains an entry for this variant (Variation ID: 533515). Invitae Evidence Modeling of protein sequence and biophysical properties (such as structural, functional, and spatial information, amino acid conservation, physicochemical variation, residue mobility, and thermodynamic stability) indicates that this missense variant is not expected to disrupt NEFL protein function with a negative predictive value of 80%. In summary, the available evidence is currently insufficient to determine the role of this variant in disease. Therefore, it has been classified as a Variant of Uncertain Significance.

GeneDx
Classification: Uncertain significance. Last evaluated: 2019-06-06. Review status: criteria provided, single submitter. Criteria: GeneDx Variant Classification Process June 2021. Collection method: clinical testing. Allele origin: germline. Affected: yes.
Comment: In silico analysis, which includes splice predictors and evolutionary conservation, suggests this variant may impact gene splicing. In the absence of RNA/functional studies, the actual effect of this sequence change is unknown.; Has not been previously published as pathogenic or benign to our knowledge

NM_006158.5(NEFL):c.217C>G (p.Leu73Val)

Gene: NEFL (neurofilament light chain; minus strand). Cytogenetic location: 8p21.2.
Variant type: single nucleotide variant.
Coding change: c.217C>G on transcript NM_006158.5 (MANE Select); coding-DNA position 217, C replaced by G.
Protein change: p.Leu73Val; replaces leucine 73 with valine.
Molecular consequence: missense variant.
Genome position (GRCh38, 1-based): chr8:24,956,299, G>C on the plus strand (C>G on the coding strand, the complement: NEFL is on the minus strand). VCF-style: chr8-24956299-G-C. GRCh37 (hg19) VCF-style: chr8-24813813-G-C.
Other names: c.217C>G (NM_006158.3); short protein forms L73V.
Identifiers: ClinVar variation 533515 (VCV000533515.7), dbSNP rs755889503, ClinGen allele CA4681536.